The following is an entry in ClinVar:

ClinVar aggregate classification (germline): Uncertain significance (0 of 4 stars; one submission).

Conditions:
KCNQ5-related disorder. Also called: KCNQ5-related condition.

gnomAD v4.1: 1 of 1,614,134 alleles (0.000062%); highest among the groups gnomAD compares: African/African-American, 0.0013%; no homozygotes.

Submission:

PreventionGenetics, part of Exact Sciences
Classification: Uncertain significance for KCNQ5-related condition. Last evaluated: 2023-12-13. Review status: no assertion criteria provided. Collection method: clinical testing. Allele origin: germline.
Comment: The KCNQ5 c.2290C>G variant is predicted to result in the amino acid substitution p.Pro764Ala. To our knowledge, this variant has not been reported in the literature. This variant is reported in 0.0062% of alleles in individuals of African descent in gnomAD. At this time, the clinical significance of this variant is uncertain due to the absence of conclusive functional and genetic evidence.

NM_019842.4(KCNQ5):c.2233C>G (p.Pro745Ala)

Gene: KCNQ5 (potassium voltage-gated channel subfamily Q member 5; plus strand). Cytogenetic location: 6q13.
Variant type: single nucleotide variant.
Coding change: c.2233C>G on transcript NM_019842.4 (MANE Select); coding-DNA position 2233, C replaced by G.
Protein change: p.Pro745Ala; replaces proline 745 with alanine.
Molecular consequence: missense variant.
Genome position (GRCh38, 1-based): chr6:73,194,848, C>G. VCF-style: chr6-73194848-C-G. GRCh37 (hg19) VCF-style: chr6-73904571-C-G.
Other names: c.2206C>G, p.Pro736Ala (NM_001160130.2); c.2263C>G, p.Pro755Ala (NM_001160132.2); c.2290C>G, p.Pro764Ala (NM_001160133.2); c.1903C>G, p.Pro635Ala (NM_001160134.2); short protein forms P635A, P736A, P745A, P755A, P764A.
Identifiers: ClinVar variation 3037116 (VCV003037116.2), dbSNP rs769303139, ClinGen allele CA364695531.
Genomic context (GRCh38, chr6:73,194,848, plus strand): 5'-GCAGTGGCAGCCACCAACACCATTGCAAACCAAATAAATACGGCACCCAAGCCAGCAGCC[C>G]CAACAACTTTACAGATCCCACCTCCTCTCCCAGCCATCAAGCATCTGCCCAGGCCAGAAA-3'
Protein context (NP_062816.2, residues 735-755): QINTAPKPAA[Pro745Ala]TTLQIPPPLP